The following is an entry in ClinVar:

NM_000720.4(CACNA1D):c.1528C>T (p.Arg510Trp)

Gene: CACNA1D (calcium voltage-gated channel subunit alpha1 D; plus strand). Cytogenetic location: 3p21.1.
Variant type: single nucleotide variant.
Coding change: c.1528C>T on transcript NM_000720.4 (MANE Plus Clinical); coding-DNA position 1528, C replaced by T.
Protein change: p.Arg510Trp; replaces arginine 510 with tryptophan.
Molecular consequence: missense variant. On other transcripts: intron variant (2).
Genome position (GRCh38, 1-based): chr3:53,718,731, C>T. VCF-style: chr3-53718731-C-T. GRCh37 (hg19) VCF-style: chr3-53752758-C-T.
Other names: p.Arg510Trp; c.1528C>T (NM_000720.2); c.1478+343C>T (NM_001128840.3, NM_001128839.3); short protein forms R510W.
Identifiers: ClinVar variation 1398504 (VCV001398504.14), dbSNP rs370024486, ClinGen allele CA2453978.

ClinVar aggregate classification (germline): Uncertain significance. Review status: criteria provided, multiple submitters, no conflicts (2 of 4 stars). 5 submissions from 5 submitters: Uncertain significance (5). Last evaluated 2025-12-03.

Conditions:
Inborn genetic diseases. Identifiers: MedGen C0950123, MeSH D030342.
Aldosterone-producing adenoma with seizures and neurological abnormalities. Also called: Primary aldosteronism, seizures, and neurologic abnormalities. Identifiers: Orphanet 369929, MedGen C3809609, MONDO:0014200, OMIM 615474.
Sinoatrial node dysfunction and deafness (SANDD). Identifiers: Orphanet 324321, MedGen C3554018, MONDO:0013960, OMIM 614896.

Allele frequency attached by ClinVar (database versions not stated): ESP Exome Variant Server 0.00008; TOPMed 0.00009; ExAC 0.00018.
gnomAD v4.1: 136 of 1,556,432 alleles (0.0087%); highest among the groups gnomAD compares: Non-Finnish European, 0.0085%; no homozygotes.

Submissions (5):

Labcorp Genetics (formerly Invitae), Labcorp
Classification: Uncertain significance. Last evaluated: 2025-12-03. Review status: criteria provided, single submitter. Criteria: Invitae Variant Classification Sherloc (09022015). Collection method: clinical testing. Allele origin: germline.
Comment: This sequence change replaces arginine, which is basic and polar, with tryptophan, which is neutral and slightly polar, at codon 510 of the CACNA1D protein (p.Arg510Trp). The frequency data for this variant in the population databases is considered unreliable, as metrics indicate poor data quality at this position in the gnomAD database. This variant has not been reported in the literature in individuals affected with CACNA1D-related conditions. ClinVar contains an entry for this variant (Variation ID: 1398504). An algorithm developed to predict the effect of missense changes on protein structure and function (PolyPhen-2) suggests that this variant is likely to be tolerated. In summary, the available evidence is currently insufficient to determine the role of this variant in disease. Therefore, it has been classified as a Variant of Uncertain Significance.

Mayo Clinic Laboratories, Mayo Clinic
Classification: Uncertain significance. Last evaluated: 2025-08-07. Review status: criteria provided, single submitter. Criteria: ACMG Guidelines, 2015. Collection method: clinical testing. Allele origin: germline. Observed: 2 variant alleles.

GeneDx
Classification: Uncertain significance. Last evaluated: 2025-02-05. Review status: criteria provided, single submitter. Criteria: GeneDx Variant Classification Process June 2021. Collection method: clinical testing. Allele origin: germline. Affected: yes.
Comment: In silico analysis indicates that this missense variant does not alter protein structure/function; Has not been previously published as pathogenic or benign to our knowledge

Fulgent Genetics
Classification: Uncertain significance for Sinoatrial node dysfunction and deafness; Aldosterone-producing adenoma with seizures and neurological abnormalities. Last evaluated: 2024-04-12. Review status: criteria provided, single submitter. Criteria: ACMG Guidelines, 2015. Collection method: clinical testing. Allele origin: germline.

Ambry Genetics
Classification: Uncertain significance for Inborn genetic diseases. Last evaluated: 2021-07-17. Review status: criteria provided, single submitter. Criteria: Ambry Variant Classification Scheme 2023. Collection method: clinical testing. Allele origin: germline.
Comment: Unlikely to be causative of Primary aldosteronism, seizures, and neurologic abnormalities (AD) Based on insufficient or conflicting evidence, the clinical significance of this alteration remains unclear.